The following is an entry in ClinVar:

NM_001367624.2(ZNF469):c.8974A>G (p.Met2992Val)

Gene: ZNF469 (zinc finger protein 469; plus strand). Cytogenetic location: 16q24.2.
Variant type: single nucleotide variant.
Coding change: c.8974A>G on transcript NM_001367624.2 (MANE Select); coding-DNA position 8974, A replaced by G.
Protein change: p.Met2992Val; replaces methionine 2992 with valine.
Molecular consequence: missense variant.
Genome position (GRCh38, 1-based): chr16:88,436,444, A>G. VCF-style: chr16-88436444-A-G. GRCh37 (hg19) VCF-style: chr16-88502852-A-G.
Other names: NM_001127464.1:c.8890A>G; short protein forms M2992V.
Identifiers: ClinVar variation 1765002 (VCV001765002.2), dbSNP rs886052414, ClinGen allele CA397119972.

ClinVar aggregate classification (germline): Uncertain significance (1 of 4 stars; one submission).

Conditions:
Cardiovascular phenotype. Identifiers: MedGen CN230736.

gnomAD v4.1: 11 of 1,548,170 alleles (0.00071%); highest among the groups gnomAD compares: Non-Finnish European, 0.00096%; no homozygotes.

Submission:

Ambry Genetics
Classification: Uncertain significance for Cardiovascular phenotype. Last evaluated: 2020-03-16. Review status: criteria provided, single submitter. Criteria: Ambry Variant Classification Scheme 2023. Collection method: clinical testing. Allele origin: germline.
Comment: The p.M2964V variant (also known as c.8890A>G), located in coding exon 2 of the ZNF469 gene, results from an A to G substitution at nucleotide position 8890. The methionine at codon 2964 is replaced by valine, an amino acid with highly similar properties. This amino acid position is not well conserved in available vertebrate species, and valine is the reference amino acid in other vertebrate species. In addition, this alteration is predicted to be tolerated by in silico analysis. Since supporting evidence is limited at this time, the clinical significance of this alteration remains unclear.